The following is an entry in ClinVar:

ClinVar aggregate classification (germline): Likely pathogenic. Review status: criteria provided, multiple submitters, no conflicts (2 of 4 stars). 2 submissions from 2 submitters: Likely pathogenic (2). Last evaluated 2017-06-23.

Submissions (2):

ARUP Laboratories, Molecular Genetics and Genomics, ARUP Laboratories
Classification: Likely pathogenic. Last evaluated: 2017-06-23. Review status: criteria provided, single submitter. Criteria: ARUP Molecular Germline Variant Investigation Process. Collection method: clinical testing. Allele origin: germline.
Comment: This variant is absent from population databases such as 1000 Genomes, the NHLBI GO Exome Sequencing Project (ESP), and the Genome Aggregation Database (gnomAD) browser. The arginine at codon 119 is highly conserved considering 12 species up to chicken (Alamut software v2.9), and computational analyses suggest this variant has a significant effect on RPS6KA3 protein structure/function (SIFT: damaging, PolyPhen2: probably damaging, and Mutation Taster: disease causing). Additionally, a rare variant in an adjacent codon, p.Glu118Gly, has also been reported in a CLS cohort (Delaunoy 2006), suggesting this region of RPS6KA3 is critical for function. Lastly, the p.Arg119Pro variant is listed in the ClinVar database as likely to be pathogenic (Variation ID: 372727). Taken together, we consider the p.Arg119Pro variant to be likely pathogenic.

GeneDx
Classification: Likely pathogenic. Last evaluated: 2016-04-22. Review status: criteria provided, single submitter. Criteria: GeneDx Variant Classification (06012015). Collection method: clinical testing. Allele origin: germline. Affected: yes.
Comment: The R119P variant was not observed in approximately 6500 individuals of European and African American ancestry in the NHLBI Exome Sequencing Project, indicating it is not a common benign variant in these populations. The R119P variant is a non-conservative amino acid substitution, which is likely to impact secondary protein structure as these residues differ in polarity, charge, size and/or other properties. This substitution occurs at a position that is conserved across species. However, in silico analysis is inconsistent in its predictions as to whether or not the variant is damaging to the protein structure/function. Missense variants in nearby residues (R114W, T115S, and E118G) have been reported in the Human Gene Mutation Database in association with Coffin-Lowry syndrome (Stenson et al., 2014), supporting the functional importance of this region of the protein. Give the available evidence, the R119P variant is a strong candidate for a pathogenic variant .

NM_004586.3(RPS6KA3):c.356G>C (p.Arg119Pro)

Gene: RPS6KA3 (ribosomal protein S6 kinase A3; minus strand). Cytogenetic location: Xp22.12.
Variant type: single nucleotide variant.
Coding change: c.356G>C on transcript NM_004586.3 (MANE Select); coding-DNA position 356, G replaced by C.
Protein change: p.Arg119Pro; replaces arginine 119 with proline.
Molecular consequence: missense variant.
Genome position (GRCh38, 1-based): chrX:20,195,115, C>G on the plus strand (G>C on the coding strand, the complement: RPS6KA3 is on the minus strand). VCF-style: chrX-20195115-C-G. GRCh37 (hg19) VCF-style: chrX-20213233-C-G.
Other names: short protein forms R119P.
Identifiers: ClinVar variation 372727 (VCV000372727.8), dbSNP rs1057517947, ClinGen allele CA16043245.
Genomic context (GRCh38, chrX:20,195,115, plus strand): 5'-TCATACTTACCATAATGCAACTTGACAATAAAAGGATGATTAACCTCTACCAAGATATCA[C>G]GTTCCATTTTTGTCCGAACTCGGTCTCGAACTATAAAAGATTGTATGTATGCTACATTGT-3'
Protein context (NP_004577.1, residues 109-129): VRDRVRTKME[Arg119Pro]DILVEVNHPF